The following is an entry in ClinVar:

NM_001277313.2(FMN1):c.3467C>G (p.Ser1156Cys)

Gene: FMN1 (formin 1; minus strand). Cytogenetic location: 15q13.3.
Variant type: single nucleotide variant.
Coding change: c.3467C>G on transcript NM_001277313.2 (MANE Select); coding-DNA position 3467, C replaced by G.
Protein change: p.Ser1156Cys; replaces serine 1156 with cysteine.
Molecular consequence: missense variant.
Genome position (GRCh38, 1-based): chr15:32,901,951, G>C on the plus strand (C>G on the coding strand, the complement: FMN1 is on the minus strand). VCF-style: chr15-32901951-G-C. GRCh37 (hg19) VCF-style: chr15-33194152-G-C.
Other names: c.2798C>G, p.Ser933Cys (NM_001103184.4); short protein forms S933C, S1156C.
Identifiers: ClinVar variation 2057159 (VCV002057159.6), dbSNP rs781349125, ClinGen allele CA7456584.
Genomic context (GRCh38, chr15:32,901,951, plus strand): 5'-AAATTAGACAGTAAACATACCTTAGAAGCTCGCGTGATGATCTCTACCTTTCTGTGCAAG[G>C]AGGTGATACCCTCAGAAAAGACAGATCTGAAGATTATGCACTGGGCACGTTCAGCAAAAT-3'
Protein context (NP_001264242.1, residues 1146-1166): FRSVFSEGIT[Ser1156Cys]LHRKVEIITR

ClinVar aggregate classification (germline): Uncertain significance. Review status: criteria provided, multiple submitters, no conflicts (2 of 4 stars). 2 submissions from 2 submitters: Uncertain significance (2). Last evaluated 2024-05-15.

Allele frequency attached by ClinVar (database versions not stated): ExAC 0.00008.
gnomAD v4.1: 15 of 1,613,052 alleles (0.00093%); highest among the groups gnomAD compares: Admixed American, 0.025%; no homozygotes.

Submissions (2):

Ambry Genetics
Classification: Uncertain significance. Last evaluated: 2024-05-15. Review status: criteria provided, single submitter. Criteria: Ambry Variant Classification Scheme 2023. Collection method: clinical testing. Allele origin: germline.

Labcorp Genetics (formerly Invitae), Labcorp
Classification: Uncertain significance. Last evaluated: 2022-02-02. Review status: criteria provided, single submitter. Criteria: Invitae Variant Classification Sherloc (09022015). Collection method: clinical testing. Allele origin: germline.
Comment: This sequence change replaces serine, which is neutral and polar, with cysteine, which is neutral and slightly polar, at codon 933 of the FMN1 protein (p.Ser933Cys). This variant is present in population databases (rs781349125, gnomAD 0.04%). This variant has not been reported in the literature in individuals affected with FMN1-related conditions. Algorithms developed to predict the effect of missense changes on protein structure and function are either unavailable or do not agree on the potential impact of this missense change (SIFT: "Tolerated"; PolyPhen-2: "Probably Damaging"; Align-GVGD: "Class C0"). In summary, the available evidence is currently insufficient to determine the role of this variant in disease. Therefore, it has been classified as a Variant of Uncertain Significance.